The following is an entry in ClinVar:

NM_005612.5(REST):c.1747A>G (p.Thr583Ala)

Gene: REST (RE1 silencing transcription factor; plus strand). Cytogenetic location: 4q12.
Variant type: single nucleotide variant.
Coding change: c.1747A>G on transcript NM_005612.5 (MANE Select); coding-DNA position 1747, A replaced by G.
Protein change: p.Thr583Ala; replaces threonine 583 with alanine.
Molecular consequence: missense variant.
Genome position (GRCh38, 1-based): chr4:56,930,605, A>G. VCF-style: chr4-56930605-A-G. GRCh37 (hg19) VCF-style: chr4-57796771-A-G.
Other names: c.1747A>G, p.Thr583Ala (NM_001193508.2, NM_001363453.3); short protein forms T583A.
Identifiers: ClinVar variation 1013675 (VCV001013675.7), dbSNP rs752454165, ClinGen allele CA2932315.
Genomic context (GRCh38, chr4:56,930,605, plus strand): 5'-AGCAAAGTGGAGGAGAATAAAAAGCAAAATACTTGCATGAAAAAAAGTACAAAGAAGAAA[A>G]CTCTGAAAAATAAATCAAGTAAGAAAAGCAGTAAGCCTCCTCAGAAGGAACCTGTTGAGA-3'
Protein context (NP_005603.3, residues 573-593): TCMKKSTKKK[Thr583Ala]LKNKSSKKSS

ClinVar aggregate classification (germline): Uncertain significance. Review status: criteria provided, multiple submitters, no conflicts (2 of 4 stars). 2 submissions from 2 submitters: Uncertain significance (2). Last evaluated 2025-06-18.

Conditions:
Fibromatosis, gingival, 5. Also called: FIBROMATOSIS, GINGIVAL, HEREDITARY, 5. Identifiers: MedGen C4539942, MONDO:0033493, OMIM 617626.
Wilms tumor 6 (WT6). Also called: WILMS TUMOR 6, SUSCEPTIBILITY TO. Identifiers: Orphanet 654, MedGen C3891301, MONDO:0014779, OMIM 616806.
Autosomal dominant nonsyndromic hearing loss 27. Also called: Deafness, autosomal dominant 27. Identifiers: Orphanet 90635, MedGen C3887929, MONDO:0012902, OMIM 612431.

Allele frequency attached by ClinVar (database versions not stated): gnomAD 0.00002 and 0.00003; ExAC 0.00003; TOPMed 0.00004; gnomAD exomes 0.00008.
gnomAD v4.1: 30 of 1,612,712 alleles (0.0019%); highest among the groups gnomAD compares: Admixed American, 0.05%; no homozygotes.

Submissions (2):

Labcorp Genetics (formerly Invitae), Labcorp
Classification: Uncertain significance. Last evaluated: 2025-06-18. Review status: criteria provided, single submitter. Criteria: Invitae Variant Classification Sherloc (09022015). Collection method: clinical testing. Allele origin: germline.
Comment: This sequence change replaces threonine, which is neutral and polar, with alanine, which is neutral and non-polar, at codon 583 of the REST protein (p.Thr583Ala). This variant is present in population databases (rs752454165, gnomAD 0.06%), and has an allele count higher than expected for a pathogenic variant. This variant has not been reported in the literature in individuals affected with REST-related conditions. ClinVar contains an entry for this variant (Variation ID: 1013675). An algorithm developed to predict the effect of missense changes on protein structure and function outputs the following: PolyPhen-2: "Benign". The alanine amino acid residue is found in multiple mammalian species, which suggests that this missense change does not adversely affect protein function. In summary, the available evidence is currently insufficient to determine the role of this variant in disease. Therefore, it has been classified as a Variant of Uncertain Significance.

Fulgent Genetics
Classification: Uncertain significance for Autosomal dominant nonsyndromic hearing loss 27; Wilms tumor 6; Fibromatosis, gingival, 5. Last evaluated: 2024-05-13. Review status: criteria provided, single submitter. Criteria: ACMG Guidelines, 2015. Collection method: clinical testing. Allele origin: germline.